The following is an entry in ClinVar:

NM_001111.5(ADAR):c.2082T>A (p.Pro694=)

Gene: ADAR (adenosine deaminase RNA specific; minus strand). Cytogenetic location: 1q21.3.
Variant type: single nucleotide variant.
Coding change: c.2082T>A on transcript NM_001111.5 (MANE Select); coding-DNA position 2082, T replaced by A.
Protein change: p.Pro694=; no amino-acid change (proline 694 retained).
Molecular consequence: synonymous variant. On other transcripts: intron variant (1).
Genome position (GRCh38, 1-based): chr1:154,596,993, A>T on the plus strand (T>A on the coding strand, the complement: ADAR is on the minus strand). VCF-style: chr1-154596993-A-T. GRCh37 (hg19) VCF-style: chr1-154569469-A-T.
Other names: c.1197T>A, p.Pro399= (NM_001025107.3, NM_001193495.2, NM_001365046.1 and 3 more transcripts); c.2109T>A, p.Pro703= (NM_001365045.1); c.2082T>A, p.Pro694= (NM_015840.4); c.2080-55T>A (NM_015841.4).
Identifiers: ClinVar variation 2006135 (VCV002006135.4), dbSNP rs1349730104, ClinGen allele CA421231809.

ClinVar aggregate classification (germline): Uncertain significance (1 of 4 stars; one submission).

Conditions:
Symmetrical dyschromatosis of extremities (DSH). Also called: RETICULATE ACROPIGMENTATION OF DOHI; SYMMETRIC DYSCHROMATOSIS OF THE EXTREMITIES; DYSCHROMATOSIS SYMMETRICA HEREDITARIA 1; Dyschromatosis symmetrica hereditaria. Identifiers: Orphanet 41, MedGen C0406775, MONDO:0007483, OMIM 127400.
Aicardi-Goutieres syndrome 6 (AGS6). Identifiers: Orphanet 51, MedGen C3539013, MONDO:0014007, OMIM 615010.

Submission:

Labcorp Genetics (formerly Invitae), Labcorp
Classification: Uncertain significance for Aicardi-Goutieres syndrome 6; Symmetrical dyschromatosis of extremities. Last evaluated: 2022-10-03. Review status: criteria provided, single submitter. Criteria: Invitae Variant Classification Sherloc (09022015). Collection method: clinical testing. Allele origin: germline.
Comment: This sequence change affects codon 694 of the ADAR mRNA. It is a 'silent' change, meaning that it does not change the encoded amino acid sequence of the ADAR protein. In summary, the available evidence is currently insufficient to determine the role of this variant in disease. Therefore, it has been classified as a Variant of Uncertain Significance. Algorithms developed to predict the effect of sequence changes on RNA splicing suggest that this variant may create or strengthen a splice site. This variant has not been reported in the literature in individuals affected with ADAR-related conditions. This variant is not present in population databases (gnomAD no frequency).